The following is an entry in ClinVar:

ClinVar aggregate classification (germline): Pathogenic/Likely pathogenic. Review status: criteria provided, multiple submitters, no conflicts (2 of 4 stars). 5 submissions from 5 submitters: Pathogenic (1); Likely pathogenic (4). Last evaluated 2025-12-06.

Conditions:
Hereditary cancer-predisposing syndrome. Also called: Neoplastic Syndromes, Hereditary; Hereditary Cancer Syndrome; Tumor predisposition; Hereditary neoplastic syndrome. Identifiers: Orphanet 140162, MedGen C0027672, MeSH D009386, MONDO:0015356.
Familial cancer of breast. Also called: Hereditary breast cancer; BREAST CANCER, FAMILIAL; hereditary breast carcinoma. Identifiers: Orphanet 227535, MedGen C0346153, MONDO:0016419, OMIM 114480. Disease mechanism: loss of function.
Ataxia-telangiectasia syndrome (AT). Also called: LOUIS-BAR SYNDROME; Cerebello-oculocutaneous telangiectasia; Immunodeficiency with ataxia telangiectasia; Ataxia-telangiectasia, complementation group D; AT, COMPLEMENTATION GROUP C; Ataxia-telangiectasia, complementation group E. Identifiers: Orphanet 100, MedGen C0004135, MONDO:0008840, OMIM 208900.
Malignant tumor of breast. Also called: Malignant breast neoplasm; Cancer breast. Identifiers: MedGen C0006142, MONDO:0007254. Disease mechanism: loss of function.

gnomAD v4.1: 2 of 1,613,722 alleles (0.00012%); highest among the groups gnomAD compares: Admixed American, 0.0033%; no homozygotes.

Submissions (5):

Labcorp Genetics (formerly Invitae), Labcorp
Classification: Likely pathogenic for Ataxia-telangiectasia syndrome. Last evaluated: 2025-12-06. Review status: criteria provided, single submitter. Criteria: Invitae Variant Classification Sherloc (09022015). Collection method: clinical testing. Allele origin: germline.
Comment: This sequence change falls in intron 57 of the ATM gene. It does not directly change the encoded amino acid sequence of the ATM protein. RNA analysis indicates that this variant induces altered splicing and likely results in a shortened protein product. This variant is present in population databases (no rsID available, gnomAD 0.006%). This variant has not been reported in the literature in individuals affected with ATM-related conditions. ClinVar contains an entry for this variant (Variation ID: 479066). Variants that disrupt the consensus splice site are a relatively common cause of aberrant splicing (PMID: 17576681, 9536098). Studies have shown that this variant results in skipping of 57, but is expected to preserve the integrity of the reading-frame (PMID: 32133419). This variant disrupts the c.8418+5G nucleotide in the ATM gene. Other variant(s) that disrupt this nucleotide have been determined to be pathogenic (PMID: 8808599; internal data). This suggests that this nucleotide is clinically significant, and that variants that disrupt this position are likely to be disease-causing. In summary, the currently available evidence indicates that the variant is pathogenic, but additional data are needed to prove that conclusively. Therefore, this variant has been classified as Likely Pathogenic.

Otogenetics
Classification: Likely pathogenic for Familial cancer of breast; Ataxia-telangiectasia syndrome. Last evaluated: 2025-08-04. Review status: criteria provided, single submitter. Criteria: ACMG Guidelines, 2015. Collection method: clinical testing. Allele origin: germline.
Comment: PVS1: Splicing defect predicted in critical domain for protein function (PMID 32133419); PM2: Aggregated gnomAD MAF of 0.0008% (<0.05% threshold)

Ambry Genetics
Classification: Pathogenic for Hereditary cancer-predisposing syndrome. Last evaluated: 2025-04-17. Review status: criteria provided, single submitter. Criteria: Ambry Variant Classification Scheme 2023. Collection method: clinical testing. Allele origin: germline.
Comment: The c.8418+5G>A intronic variant results from a G to A substitution 5 nucleotides after coding exon 56 in the ATM gene. This nucleotide position is highly conserved in available vertebrate species. In silico splice site analysis predicts that this alteration will weaken the native splice donor site. RNA studies showed abnormal splicing in the set of samples tested (Ambry internal data). Another alteration impacting the same donor site, c.8418+5_8418+8delGTGA, has been shown to have a similar impact on splicing and has been reported in multiple individuals with a clinical diagnosis of ataxia-telangiectasia (A-T) (Wright J et al. Am. J. Hum. Genet. 1996 Oct;59(4):839-46; Stankovic T et al. Am. J. Hum. Genet. 1998 Feb;62(2):334-45; Li A and Swift M. Am. J. Med. Genet. 2000 May;92(3):170-7; Buzin CH et al. Hum. Mutat. 2003 Feb;21(2):123-31). Based on the supporting evidence, this alteration is interpreted as a disease-causing mutation.

Women's Health and Genetics/Laboratory Corporation of America, LabCorp
Classification: Likely pathogenic for Malignant tumor of breast. Last evaluated: 2024-12-23. Review status: criteria provided, single submitter. Criteria: LabCorp Variant Classification Summary - May 2015. Collection method: clinical testing. Allele origin: germline.
Comment: Variant summary: ATM c.8418+5G>A alters a conserved nucleotide located close to a canonical splice site and therefore could affect mRNA splicing, leading to a significantly altered protein sequence. Several computational tools predict a significant impact on normal splicing: Two predict the variant abolishes a canonical 5' splicing donor site and two predict the variant weakens this site. At least one publication reports experimental evidence that this variant affects mRNA splicing, resulting in an in-frame exon skipping (Landrith_2020). The variant allele was found at a frequency of 8e-06 in 251006 control chromosomes (gnomAD). c.8418+5G>A has been reported in the literature in an individual affected with Breast Cancer (Landrith_2020). The following publication has been ascertained in the context of this evaluation (PMID: 32133419). ClinVar contains an entry for this variant (Variation ID: 479066). Based on the evidence outlined above, the variant was classified as likely pathogenic.

Baylor Genetics
Classification: Likely pathogenic for Familial cancer of breast. Last evaluated: 2023-06-29. Review status: criteria provided, single submitter. Criteria: ACMG Guidelines, 2015. Collection method: clinical testing. Allele origin: unknown.

Literature cited by the submitters: PubMed 17576681 (cited by Labcorp Genetics (formerly Invitae), Labcorp); PubMed 9536098 (cited by Labcorp Genetics (formerly Invitae), Labcorp); PubMed 32133419 (cited by 3 submitters); PubMed 8808599 (cited by Labcorp Genetics (formerly Invitae), Labcorp).

NM_000051.4(ATM):c.8418+5G>A

Genes: ATM (ATM serine/threonine kinase; plus strand), C11orf65 (chromosome 11 open reading frame 65; minus strand). Cytogenetic location: 11q22.3.
Variant type: single nucleotide variant.
Coding change: c.8418+5G>A on transcript NM_000051.4 (MANE Select); 5 bases into the intron after coding-DNA position 8418, G replaced by A.
Molecular consequence: intron variant.
Genome position (GRCh38, 1-based): chr11:108,343,376, G>A. VCF-style: chr11-108343376-G-A. GRCh37 (hg19) VCF-style: chr11-108214103-G-A.
Other names: c.695-8084C>T (NM_001351110.2); c.8418+5G>A (NM_001351834.2); c.641-34305C>T (NM_001330368.2).
Identifiers: ClinVar variation 479066 (VCV000479066.17), dbSNP rs1305740166, ClinGen allele CA601698826.